The following is an entry in ClinVar:

NM_000810.4(GABRA5):c.793T>C (p.Tyr265His)

Gene: GABRA5 (gamma-aminobutyric acid type A receptor subunit alpha5; plus strand). Cytogenetic location: 15q12.
Variant type: single nucleotide variant.
Coding change: c.793T>C on transcript NM_000810.4 (MANE Select); coding-DNA position 793, T replaced by C.
Protein change: p.Tyr265His; replaces tyrosine 265 with histidine.
Molecular consequence: missense variant.
Genome position (GRCh38, 1-based): chr15:26,939,993, T>C. VCF-style: chr15-26939993-T-C. GRCh37 (hg19) VCF-style: chr15-27185140-T-C.
Other names: c.793T>C, p.Tyr265His (NM_001165037.2); short protein forms Y265H.
Identifiers: ClinVar variation 4686489 (VCV004686489.1).

ClinVar aggregate classification (germline): Uncertain significance (1 of 4 stars; one submission).

Submission:

GeneDx
Classification: Uncertain significance. Last evaluated: 2025-07-19. Review status: criteria provided, single submitter. Criteria: GeneDx Variant Classification Process June 2021. Collection method: clinical testing. Allele origin: germline. Affected: yes.
Comment: Has not been previously published as pathogenic or benign to our knowledge; Not observed at significant frequency in large population cohorts (gnomAD); In silico analysis supports that this missense variant has a deleterious effect on protein structure/function